The following is an entry in ClinVar:

NM_000179.3(MSH6):c.2329_2330insA (p.Trp777Ter)

Gene: MSH6 (mutS homolog 6; plus strand). Cytogenetic location: 2p16.3.
Variant type: Insertion.
Coding change: c.2329_2330insA on transcript NM_000179.3 (MANE Select); coding-DNA positions 2329 to 2330, A inserted.
Protein change: p.Trp777Ter; replaces tryptophan 777 with a stop codon.
Molecular consequence: nonsense. On other transcripts: non-coding transcript variant (5), intron variant (3).
Genome position: GRCh38 VCF-style: chr2-47800312-T-TA. GRCh37 (hg19) VCF-style: chr2-48027451-T-TA.
Other names: c.1939_1940insA, p.Trp647Ter (NM_001281492.2); c.1423_1424insA, p.Trp475Ter (NM_001281493.2, NM_001281494.2, NM_001406811.1 and 6 more transcripts); c.2425_2426insA, p.Trp809Ter (NM_001406795.1, NM_001406802.1); c.2329_2330insA, p.Trp777Ter (NM_001406796.1, NM_001406798.1, NM_001406800.1 and 2 more transcripts); c.2032_2033insA, p.Trp678Ter (NM_001406797.1, NM_001406801.1, NM_001406805.1 and 10 more transcripts); c.1804_1805insA, p.Trp602Ter (NM_001406799.1, NM_001406806.1, NM_001406807.1); c.2251_2252insA, p.Trp751Ter (NM_001406804.1); c.2335_2336insA, p.Trp779Ter (NM_001406813.1); and 4 more; short protein forms W475*, W602*, W647*, W678*, W721*, W751*, W777*, W779*.
Identifiers: ClinVar variation 2673718 (VCV002673718.1), dbSNP rs2530665351, ClinGen allele CA2695200524.
Genomic context (GRCh38, chr2:47,800,312, plus strand): 5'-ACCCTACTAGAGAGGGTTGATACTTGCCATACTCCTTTTGGTAAGCGGCTCCTAAAGCAA[T>TA]GGCTTTGTGCCCCACTCTGTAACCATTATGCTATTAATGATCGTCTAGATGCCATAGAAG-3'

ClinVar aggregate classification (germline): Pathogenic (1 of 4 stars; one submission).

Conditions:
Lynch syndrome 5 (LYNCH5). Also called: Colorectal cancer, hereditary nonpolyposis, type 5; Hereditary non-polyposis colorectal cancer, type 5. Identifiers: Orphanet 144, MedGen C1833477, MONDO:0013710, OMIM 614350. Disease mechanism: loss of function.

Submission:

Myriad Genetics, Inc.
Classification: Pathogenic for Lynch syndrome 5. Last evaluated: 2023-08-16. Review status: criteria provided, single submitter. Criteria: Myriad Autosomal Dominant, Autosomal Recessive and X-Linked Classification Criteria (2023). Collection method: clinical testing. Allele origin: unknown.
Comment: This variant is considered pathogenic. This variant creates a termination codon and is predicted to result in premature protein truncation.